The following is an entry in ClinVar:

ClinVar aggregate classification (germline): Likely pathogenic (1 of 4 stars; one submission).

Conditions:
GLUD1-related disorder. Also called: GLUD1-related condition.

Submission:

PreventionGenetics, part of Exact Sciences
Classification: Likely pathogenic for GLUD1-related condition. Last evaluated: 2025-10-01. Review status: criteria provided, single submitter. Criteria: ACMG Guidelines, 2015. Collection method: clinical testing. Allele origin: germline.
Comment: The GLUD1 c.791G>A variant is predicted to result in the amino acid substitution p.Gly264Glu. To our knowledge, this variant has not been reported in the literature. This variant has not been reported in a large population database (gnomAD), indicating this variant is rare. This variant is interpreted as likely pathogenic.

NM_005271.5(GLUD1):c.791G>A (p.Gly264Glu)

Gene: GLUD1 (glutamate dehydrogenase 1; minus strand). Cytogenetic location: 10q23.2.
Variant type: single nucleotide variant.
Coding change: c.791G>A on transcript NM_005271.5 (MANE Select); coding-DNA position 791, G replaced by A.
Protein change: p.Gly264Glu; replaces glycine 264 with glutamic acid.
Molecular consequence: missense variant.
Genome position (GRCh38, 1-based): chr10:87,062,786, C>T on the plus strand (G>A on the coding strand, the complement: GLUD1 is on the minus strand). VCF-style: chr10-87062786-C-T. GRCh37 (hg19) VCF-style: chr10-88822543-C-T.
Other names: c.392G>A, p.Gly131Glu (NM_001318900.1); c.290G>A, p.Gly97Glu (NM_001318901.1, NM_001318902.1, NM_001318904.2 and 2 more transcripts); short protein forms G131E, G264E, G97E.
Identifiers: ClinVar variation 2632672 (VCV002632672.2), dbSNP rs1424693533, ClinGen allele CA377469112.
Genomic context (GRCh38, chr10:87,062,786, plus strand): 5'-ATGAAATTTTCAATCCCATGGAAGACACCACGGCCAGTAGCAGAGATGCGTCCATGGATT[C>T]CCCCTTGGCTGATGGGTTTACCAGTAACACAGGCGTGTGCATTAATATCCTGTAAGAGGG-3'
Protein context (NP_005262.1, residues 254-274): CVTGKPISQG[Gly264Glu]IHGRISATGR